The following is an entry in ClinVar:

ClinVar aggregate classification (germline): Uncertain significance. Review status: criteria provided, multiple submitters, no conflicts (2 of 4 stars). 2 submissions from 2 submitters: Uncertain significance (2). Last evaluated 2025-03-19.

Conditions:
Tuberous sclerosis 2 (TSC2). Identifiers: Orphanet 805, MedGen C1860707, MONDO:0013199, OMIM 613254.
Hereditary cancer-predisposing syndrome. Also called: Hereditary neoplastic syndrome; Tumor predisposition; Neoplastic Syndromes, Hereditary; Hereditary Cancer Syndrome. Identifiers: Orphanet 140162, MedGen C0027672, MeSH D009386, MONDO:0015356.

Allele frequency attached by ClinVar (database versions not stated): gnomAD 0.00001.
gnomAD v4.1: 1 of 1,612,846 alleles (0.000062%); highest among the groups gnomAD compares: African/African-American, 0.0013%; no homozygotes.

Submissions (2):

Labcorp Genetics (formerly Invitae), Labcorp
Classification: Uncertain significance for Tuberous sclerosis 2. Last evaluated: 2025-03-19. Review status: criteria provided, single submitter. Criteria: Invitae Variant Classification Sherloc (09022015). Collection method: clinical testing. Allele origin: germline.
Comment: This sequence change replaces alanine, which is neutral and non-polar, with serine, which is neutral and polar, at codon 1238 of the TSC2 protein (p.Ala1238Ser). This variant is not present in population databases (gnomAD no frequency). This variant has not been reported in the literature in individuals affected with TSC2-related conditions. ClinVar contains an entry for this variant (Variation ID: 2449991). Invitae Evidence Modeling of protein sequence and biophysical properties (such as structural, functional, and spatial information, amino acid conservation, physicochemical variation, residue mobility, and thermodynamic stability) indicates that this missense variant is not expected to disrupt TSC2 protein function with a negative predictive value of 95%. In summary, the available evidence is currently insufficient to determine the role of this variant in disease. Therefore, it has been classified as a Variant of Uncertain Significance.

Ambry Genetics
Classification: Uncertain significance for Hereditary cancer-predisposing syndrome. Last evaluated: 2023-02-08. Review status: criteria provided, single submitter. Criteria: Ambry Variant Classification Scheme 2023. Collection method: clinical testing. Allele origin: germline.
Comment: The p.A1238S variant (also known as c.3712G>T), located in coding exon 30 of the TSC2 gene, results from a G to T substitution at nucleotide position 3712. The alanine at codon 1238 is replaced by serine, an amino acid with similar properties. This amino acid position is conserved. In addition, the in silico prediction for this alteration is inconclusive. Since supporting evidence is limited at this time, the clinical significance of this alteration remains unclear.

NM_000548.5(TSC2):c.3712G>T (p.Ala1238Ser)

Gene: TSC2 (TSC complex subunit 2; plus strand). Cytogenetic location: 16p13.3.
Variant type: single nucleotide variant.
Coding change: c.3712G>T on transcript NM_000548.5 (MANE Select); coding-DNA position 3712, G replaced by T.
Protein change: p.Ala1238Ser; replaces alanine 1238 with serine.
Molecular consequence: missense variant. On other transcripts: non-coding transcript variant (5).
Genome position (GRCh38, 1-based): chr16:2,081,696, G>T. VCF-style: chr16-2081696-G-T. GRCh37 (hg19) VCF-style: chr16-2131697-G-T.
Other names: c.3580G>T, p.Ala1194Ser (NM_001077183.3, NM_001370404.1, NM_001406665.1); c.3712G>T, p.Ala1238Ser (NM_001114382.3); c.3472G>T, p.Ala1158Ser (NM_001318827.2); c.3436G>T, p.Ala1146Ser (NM_001318829.2); c.2980G>T, p.Ala994Ser (NM_001318831.2, NM_001406687.1, NM_001406688.1); c.3613G>T, p.Ala1205Ser (NM_001318832.2); c.3583G>T, p.Ala1195Ser (NM_001363528.2, NM_021055.3, NM_001370405.1); c.3562G>T, p.Ala1188Ser (NM_001406676.1); and 18 more; short protein forms A1037S, A1038S, A1157S, A1175S, A1189S, A1195S, A747S, A790S.
Identifiers: ClinVar variation 2449991 (VCV002449991.3), dbSNP rs2090161746, ClinGen allele CA394292693.
Genomic context (GRCh38, chr16:2,081,696, plus strand): 5'-CCTTTCTCCTCGGACATCAACAACATGCCCCTGCAGGAGCTGTCTAACGCCCTCATGGCG[G>T]CTGAGCGCTTCAAGGAGCACCGGGACACAGCCCTGTACAAGTCACTGTCGGTGCCGGCAG-3'
Protein context (NP_000539.2, residues 1228-1248): LQELSNALMA[Ala1238Ser]ERFKEHRDTA